The following is an entry in ClinVar:

ClinVar aggregate classification (germline): Uncertain significance (1 of 4 stars; one submission).

gnomAD v4.1: 3 of 1,613,902 alleles (0.00019%); highest among the groups gnomAD compares: South Asian, 0.0011%; no homozygotes.

Submission:

GeneDx
Classification: Uncertain significance. Last evaluated: 2024-01-12. Review status: criteria provided, single submitter. Criteria: GeneDx Variant Classification Process June 2021. Collection method: clinical testing. Allele origin: germline. Affected: yes.
Comment: Not observed in large population cohorts (gnomAD); Has not been previously published as pathogenic or benign to our knowledge; In silico analysis supports that this missense variant has a deleterious effect on protein structure/function

NM_021224.6(ZNF462):c.4616C>T (p.Pro1539Leu)

Gene: ZNF462 (zinc finger protein 462; plus strand). Cytogenetic location: 9q31.2.
Variant type: single nucleotide variant.
Coding change: c.4616C>T on transcript NM_021224.6 (MANE Select); coding-DNA position 4616, C replaced by T.
Protein change: p.Pro1539Leu; replaces proline 1539 with leucine.
Molecular consequence: missense variant. On other transcripts: intron variant (1).
Genome position (GRCh38, 1-based): chr9:106,928,528, C>T. VCF-style: chr9-106928528-C-T. GRCh37 (hg19) VCF-style: chr9-109690809-C-T.
Other names: c.3252+1364C>T (NM_001347997.2); short protein forms P1539L.
Identifiers: ClinVar variation 3340794 (VCV003340794.1).